The following is an entry in ClinVar:

NM_014956.5(CEP164):c.3867G>A (p.Ser1289=)

Gene: CEP164 (centrosomal protein 164; plus strand). Cytogenetic location: 11q23.3.
Variant type: single nucleotide variant.
Coding change: c.3867G>A on transcript NM_014956.5 (MANE Select); coding-DNA position 3867, G replaced by A.
Protein change: p.Ser1289=; no amino-acid change (serine 1289 retained).
Molecular consequence: synonymous variant.
Genome position (GRCh38, 1-based): chr11:117,409,736, G>A. VCF-style: chr11-117409736-G-A. GRCh37 (hg19) VCF-style: chr11-117280452-G-A.
Other names: c.3852G>A, p.Ser1284= (NM_001271933.2); c.3867G>A (NM_014956.4).
Identifiers: ClinVar variation 1079555 (VCV001079555.8), dbSNP rs752083526, ClinGen allele CA6295600.

ClinVar aggregate classification (germline): Likely benign. Review status: criteria provided, multiple submitters, no conflicts (2 of 4 stars). 2 submissions from 2 submitters: Likely benign (2). Last evaluated 2026-02-02.

Conditions:
CEP164-related disorder. Also called: CEP164-related condition.
Nephronophthisis 15 (NPHP15). Identifiers: Orphanet 3156, MedGen C3541853, MONDO:0013917, OMIM 614845.

Allele frequency attached by ClinVar (database versions not stated): ExAC 0.00003; gnomAD exomes 0.00003 and 0.00004; gnomAD 0.00006; TOPMed 0.00018.
gnomAD v4.1: 69 of 1,613,716 alleles (0.0043%); highest among the groups gnomAD compares: Admixed American, 0.022%; no homozygotes.

Submissions (2):

Labcorp Genetics (formerly Invitae), Labcorp
Classification: Likely benign for Nephronophthisis 15. Last evaluated: 2026-02-02. Review status: criteria provided, single submitter. Criteria: Invitae Variant Classification Sherloc (09022015). Collection method: clinical testing. Allele origin: germline.

PreventionGenetics, part of Exact Sciences
Classification: Likely benign for CEP164-related condition. Last evaluated: 2024-10-28. Review status: criteria provided, single submitter. Criteria: ACMG Guidelines, 2015. Collection method: clinical testing. Allele origin: germline.
Comment: This variant is classified as likely benign based on ACMG/AMP sequence variant interpretation guidelines (Richards et al. 2015 PMID: 25741868, with internal and published modifications).